The following is an entry in ClinVar:

ClinVar aggregate classification (germline): Conflicting classifications of pathogenicity. Review status: criteria provided, conflicting classifications (1 of 4 stars). 2 submissions from 2 submitters: Likely pathogenic (1); Uncertain significance (1). Last evaluated 2022-11-01.

Conditions:
Cone-rod dystrophy. Also called: Cone/cone-rod dystrophy; Cone-rod degeneration. Identifiers: Orphanet 1872, MedGen C4085590, MONDO:0015993, HP:0000548.

Allele frequency attached by ClinVar (database versions not stated): gnomAD exomes below 0.00001.
gnomAD v4.1: 3 of 1,548,836 alleles (0.00019%); highest among the groups gnomAD compares: Non-Finnish European, 0.00026%; no homozygotes.

Submissions (2):

Labcorp Genetics (formerly Invitae), Labcorp
Classification: Likely pathogenic. Last evaluated: 2022-11-01. Review status: criteria provided, single submitter. Criteria: Invitae Variant Classification Sherloc (09022015). Collection method: clinical testing. Allele origin: germline.
Comment: In summary, the currently available evidence indicates that the variant is pathogenic, but additional data are needed to prove that conclusively. Therefore, this variant has been classified as Likely Pathogenic. Algorithms developed to predict the effect of sequence changes on RNA splicing suggest that this variant may disrupt the consensus splice site. ClinVar contains an entry for this variant (Variation ID: 1066318). This variant has not been reported in the literature in individuals affected with EYS-related conditions. This variant is not present in population databases (gnomAD no frequency). This sequence change affects an acceptor splice site in intron 35 of the EYS gene. It is expected to disrupt RNA splicing. Variants that disrupt the donor or acceptor splice site typically lead to a loss of protein function (PMID: 16199547), and loss-of-function variants in EYS are known to be pathogenic (PMID: 18836446, 20333770).

Cambridge Genomics Laboratory, East Genomic Laboratory Hub, NHS Genomic Medicine Service
Classification: Uncertain significance for Cone-rod dystrophy. Last evaluated: 2020-08-12. Review status: criteria provided, single submitter. Criteria: ACGS Best Practice Guidelines for Variant Classification in Rare Disease 2020. Collection method: clinical testing. Allele origin: germline. Affected: yes. Observed: 1 variant allele.

Literature cited by the submitters: PubMed 16199547 (cited by Labcorp Genetics (formerly Invitae), Labcorp); PubMed 18836446 (cited by Labcorp Genetics (formerly Invitae), Labcorp); PubMed 20333770 (cited by Labcorp Genetics (formerly Invitae), Labcorp).

NM_001142800.2(EYS):c.7056-2A>G

Gene: EYS (EGF-like photoreceptor maintenance factor; minus strand). Cytogenetic location: 6q12.
Variant type: single nucleotide variant.
Coding change: c.7056-2A>G on transcript NM_001142800.2 (MANE Select); the canonical splice acceptor site of the intron before coding-DNA position 7056, A replaced by G.
Molecular consequence: splice acceptor variant.
Genome position (GRCh38, 1-based): chr6:63,864,360, T>C on the plus strand (A>G on the coding strand, the complement: EYS is on the minus strand). VCF-style: chr6-63864360-T-C. GRCh37 (hg19) VCF-style: chr6-64574253-T-C.
Other names: c.7056-2A>G (NM_001292009.2).
Identifiers: ClinVar variation 1066318 (VCV001066318.8), dbSNP rs1772621012, ClinGen allele CA364386707.
Genomic context (GRCh38, chr6:63,864,360, plus strand): 5'-ACTGGCACAGCTTGCCTGAATACAGCCTTGGACACTCACAAAACAGATTTTCATTATCAC[T>C]GAGAAGGGAAAAAATTTAAAAATTCATTAGGAAACAACTGATATTTTCTACACACATACA-3'